The following is an entry in ClinVar:

NM_001370658.1(BTD):c.451G>A (p.Ala151Thr)

Gene: BTD (biotinidase; plus strand). Cytogenetic location: 3p25.1.
Variant type: single nucleotide variant.
Coding change: c.451G>A on transcript NM_001370658.1 (MANE Select); coding-DNA position 451, G replaced by A.
Protein change: p.Ala151Thr; replaces alanine 151 with threonine.
Molecular consequence: missense variant. On other transcripts: intron variant (6).
Genome position (GRCh38, 1-based): chr3:15,644,367, G>A. VCF-style: chr3-15644367-G-A. GRCh37 (hg19) VCF-style: chr3-15685874-G-A.
Other names: A171T; p.A171T:GCC>ACC; c.511G>A, p.Ala171Thr (NM_000060.4); c.451G>A, p.Ala151Thr (NM_001281723.4, NM_001281724.3, NM_001281725.3 and 18 more transcripts); c.399+2310G>A (NM_001370753.1, NM_001407400.1, NM_001407380.1 and 3 more transcripts); short protein forms A151T.
Identifiers: ClinVar variation 38298 (VCV000038298.81), dbSNP rs13073139, ClinGen allele CA285305.

ClinVar aggregate classification (germline): Conflicting classifications of pathogenicity. Review status: criteria provided, conflicting classifications (1 of 4 stars). 25 submissions from 25 submitters: Pathogenic (19); Uncertain significance (3). 3 of the submissions do not count toward it. Last evaluated 2026-06-09.

Conditions:
Inborn genetic diseases. Identifiers: MedGen C0950123, MeSH D030342.
Biotinidase deficiency. Also called: Biotin deficiency; BTD deficiency; Late-onset biotin-responsive multiple carboxylase deficiency. Identifiers: Orphanet 79241, MedGen C0220754, MONDO:0009665, OMIM 253260.

Allele frequency attached by ClinVar (database versions not stated): gnomAD exomes 0.00033 and 0.00055; gnomAD 0.00039 and 0.00035; TOPMed 0.00040; ExAC 0.00039.
gnomAD v4.1: 851 of 1,613,968 alleles (0.053%); highest among the groups gnomAD compares: Non-Finnish European, 0.068%; no homozygotes.

Submissions 1 to 12 of 25:

Quest Diagnostics Nichols Institute San Juan Capistrano
Classification: Uncertain significance. Last evaluated: 2026-06-09. Review status: criteria provided, single submitter. Criteria: Quest Diagnostics criteria. Collection method: clinical testing. Allele origin: unknown.
Comment: The BTD c.511G>A (p.Ala171Thr) variant has been reported in the published literature in children with partial and profound biotinidase deficiency when found in cis with the common D444H variant (PMID: 10206677 (1998), 10400129 (1999), 27329734 (2016), 28498829 (2017)). However, this variant is almost exclusively reported in individuals with the complex allele and the effect of this variant alone on enzymatic activity has not been analyzed. The frequency of this variant in the general population is uninformative in the assessment of its pathogenicity. Analysis of this variant using bioinformatics tools (i.e., MutationTaster and PolyPhen-2) for the prediction of the effect of amino acid changes on protein structure and function yielded predictions that this variant is damaging.

Greenwood Genetic Center Diagnostic Laboratories, Greenwood Genetic Center
Classification: Pathogenic for Biotinidase deficiency. Last evaluated: 2026-06-03. Review status: criteria provided, single submitter. Criteria: ACMG Guidelines, 2015. Collection method: clinical testing. Allele origin: germline. Affected: yes.
Comment: PM2, PM3_strong, PS3, PM1_Supporting

CeGaT Center for Human Genetics Tuebingen
Classification: Pathogenic. Last evaluated: 2025-11-01. Review status: criteria provided, single submitter. Criteria: CeGaT Center For Human Genetics Tuebingen Variant Classification Criteria Version 2. Collection method: clinical testing. Allele origin: germline. Affected: yes. Observed: 5 variant alleles.
Comment: BTD: PM3:Very Strong, PM2

3billion
Classification: Pathogenic for Biotinidase deficiency. Last evaluated: 2025-04-03. Review status: criteria provided, single submitter. Criteria: ACMG Guidelines, 2015. Collection method: clinical testing. Allele origin: germline. Affected: yes.
Comment: The variant is observed at an extremely low frequency in the gnomAD v4.1.0 dataset (total allele frequency: 0.053%). Predicted Consequence/Location: Missense variant In silico tool predictions suggest damaging effect of the variant on gene or gene product [REVEL: 0.78 (>=0.6, sensitivity 0.68 and specificity 0.92); 3Cnet: 0.99 (> 0.75, sensitivity 0.96 and precision 0.92)]. The same nucleotide change resulting in the same amino acid change has been previously reported as pathogenic/likely pathogenic with strong evidence (ClinVar ID: VCV000038298 / PMID: 10206677). The variant has been reported to be in trans with a pathogenic variant as either compound heterozygous or homozygous in at least 2 similarly affected unrelated individuals (PMID: 25174816, 28498829). Therefore, this variant is classified as Pathogenic according to the recommendation of ACMG/AMP guideline.

Revvity Omics, Revvity
Classification: Pathogenic for Biotinidase deficiency. Last evaluated: 2025-02-03. Review status: criteria provided, single submitter. Criteria: ACMG Guidelines, 2015. Collection method: clinical testing. Allele origin: germline.

Blueprint Genetics
Classification: Uncertain significance. Last evaluated: 2024-11-26. Review status: criteria provided, single submitter. Criteria: ACMG Guidelines, 2015. Collection method: clinical testing. Allele origin: germline.

Baylor Genetics
Classification: Pathogenic for Biotinidase deficiency. Last evaluated: 2024-03-28. Review status: criteria provided, single submitter. Criteria: ACMG Guidelines, 2015. Collection method: clinical testing. Allele origin: unknown.

Victorian Clinical Genetics Services, Murdoch Childrens Research Institute
Classification: Pathogenic for Biotinidase deficiency. Last evaluated: 2023-07-16. Review status: criteria provided, single submitter. Criteria: ACMG Guidelines, 2015. Collection method: clinical testing. Allele origin: germline. Inheritance: Autosomal recessive inheritance.
Comment: Based on the classification scheme VCGS_Germline_v1.3.4, this variant is classified as Pathogenic. Following criteria are met: 0102 - Loss of function is a known mechanism of disease in this gene and is associated with biotinidase deficiency (MIM#253260). (I) 0106 - This gene is associated with autosomal recessive disease. (I) 0115 - Variants in this gene are known to have variable expressivity. The condition associated with this gene is known to range from partial, with milder symptoms and later onset, to profound, with more severe symptoms and earlier onset. Also, individuals with the same genotype have been observed to have different clinical and biochemical phenotypes (PMIDs: 20301497, 28498829). (I) 0200 - Variant is predicted to result in a missense amino acid change from alanine to threonine. (I) 0251 - This variant is heterozygous. (I) 0304 - Variant is present in gnomAD <0.01 for a recessive condition (v2: 87 heterozygotes, 0 homozygotes). (SP) 0501 - Missense variant consistently predicted to be damaging by multiple in silico tools or highly conserved with a major amino acid change. (SP) 0604 - Variant is not located in an established domain, motif, hotspot or informative constraint region. (I) 0801 - This variant has very strong previous evidence of pathogenicity in unrelated individuals. This variant has been classified as pathogenic by clinical laboratories in ClinVar and observed in multiple individuals with biotinidase deficiency. The variant is often identified in cis with the p.(Asp424His) variant forming a complex pathogenic allele (PMIDs: 28971021, 28498829, 27329734). (SP) 1208 - Inheritance information for this variant is not currently available in this individual. (I) Legend: (SP) - Supporting pathogenic, (I) - Information, (SB) - Supporting benign

Department of Pathology and Laboratory Medicine, Sinai Health System
Classification: Pathogenic for Biotinidase deficiency. Last evaluated: 2023-02-26. Review status: criteria provided, single submitter. Criteria: ACMG Guidelines, 2015. Collection method: research. Allele origin: germline.

Women's Health and Genetics/Laboratory Corporation of America, LabCorp
Classification: Pathogenic for Biotinidase deficiency. Last evaluated: 2022-08-29. Review status: criteria provided, single submitter. Criteria: LabCorp Variant Classification Summary - May 2015. Collection method: clinical testing. Allele origin: germline.
Comment: Variant summary: BTD c.451G>A (p.Ala151Thr) results in a non-conservative amino acid change located in the Carbon-nitrogen hydrolase (IPR003010) of the encoded protein sequence. Five of five in-silico tools predict a damaging effect of the variant on protein function. The variant allele was found at a frequency of 0.00033 in 251332 control chromosomes (gnomAD), predominantly at a frequency of 0.00065 within the Non-Finnish European subpopulation in the gnomAD database. This frequency is not significantly higher than expected for a pathogenic variant in BTD causing Biotinidase Deficiency (0.00033 vs 0.0046), allowing no conclusion about variant significance. c.451G>A (often reported as c.511G>A) frequently occurs in cis with c.1270G>C [p.Asp424His] (often reported as c.1330G>C, p.Asp444His) as a complex allele. This allele has been reported in the literature in multiple individuals affected with Biotinidase Deficiency (e.g.Pomponio_2000, Borsatto_2019, Sarafoglou_2009, Tangeraas_2020). These data indicate that the variant is very likely to be associated with disease. Although the variant has not been examined in vitro in isolation, the complex allele is expected to have 0-10% enzymatic activity based on plasma biotinidase activity levels from patients whose other allele has a quantified variant (Borsatto_2019). Twelve ClinVar submitters have assessed the variant since 2014: eleven have classified the variant as pathogenic and one as uncertain significance. Based on the evidence outlined above, the variant was classified as pathogenic.

Dasa
Classification: Pathogenic for Biotinidase deficiency. Last evaluated: 2022-02-14. Review status: criteria provided, single submitter. Criteria: ACMG Guidelines, 2015. Collection method: clinical testing. Allele origin: germline. Affected: yes. Observed: 1 variant allele.
Comment: The c.451G>A;p.(Ala151Thr) missense variant has been observed in affected individual(s) (PMID: 29995633; 28971021; 28498829; 27329734; 25174816) - PS4. The variant is located in a mutational hot spot and/or critical and well-established functional domain (CN_hydrolase) - PM1. The variant is present at low allele frequencies population databases (rs13073139 - gnomAD 0.003485%; ABraOM no frequency) - PM2_supporting. The p.(Ala151Thr) was detected in trans with a pathogenic variant (PMID: 29995633; 28971021; 28498829; 27329734; 25174816) - PM3_very strong. Multiple lines of computational evidence support a deleterious effect on the gene or gene product - PP3. The variant was observed in trans with a pathogenic variant for a fully penetrant dominant gene/disorder or observed in cis with a pathogenic variant in any inheritance pattern - BP2. In summary, the currently available evidence indicates that the variant is pathogenic.

Institute for Clinical Genetics, University Hospital TU Dresden, University Hospital TU Dresden
Classification: Pathogenic. Last evaluated: 2021-11-03. Review status: criteria provided, single submitter. Criteria: ACMG Guidelines, 2015. Collection method: clinical testing. Allele origin: germline.